The following is an entry in ClinVar:

ClinVar aggregate classification (germline): Likely pathogenic (1 of 4 stars; one submission).

Conditions:
Situs inversus. Also called: Situs inversus totalis. Identifiers: Orphanet 101063, MedGen C4551493, MONDO:0010029, HP:0001696.

Allele frequency attached by ClinVar (database versions not stated): TOPMed 0.00002; gnomAD exomes 0.00003; ExAC 0.00004.
gnomAD v4.1: 5 of 1,610,514 alleles (0.00031%); highest among the groups gnomAD compares: East Asian, 0.011%; no homozygotes.

Submission:

Labcorp Genetics (formerly Invitae), Labcorp
Classification: Likely pathogenic for Situs inversus. Last evaluated: 2023-07-21. Review status: criteria provided, single submitter. Criteria: Invitae Variant Classification Sherloc (09022015). Collection method: clinical testing. Allele origin: germline.
Comment: This sequence change affects a donor splice site in intron 4 of the CFAP52 gene. It is expected to disrupt RNA splicing. Variants that disrupt the donor or acceptor splice site typically lead to a loss of protein function (PMID: 16199547), and loss-of-function variants in CFAP52 are known to be pathogenic (PMID: 25469542, 33139725). In summary, the currently available evidence indicates that the variant is pathogenic, but additional data are needed to prove that conclusively. Therefore, this variant has been classified as Likely Pathogenic. Algorithms developed to predict the effect of sequence changes on RNA splicing suggest that this variant may disrupt the consensus splice site. ClinVar contains an entry for this variant (Variation ID: 1443577). This variant has not been reported in the literature in individuals affected with CFAP52-related conditions. This variant is present in population databases (rs746987839, gnomAD 0.05%).

Literature cited by the submitters: PubMed 16199547; PubMed 25469542; PubMed 33139725.

NM_145054.5(CFAP52):c.536+1G>T

Gene: CFAP52 (cilia and flagella associated protein 52; plus strand). Cytogenetic location: 17p13.1.
Variant type: single nucleotide variant.
Coding change: c.536+1G>T on transcript NM_145054.5 (MANE Select); the canonical splice donor site of the intron after coding-DNA position 536, G replaced by T.
Molecular consequence: splice donor variant.
Genome position (GRCh38, 1-based): chr17:9,594,322, G>T. VCF-style: chr17-9594322-G-T. GRCh37 (hg19) VCF-style: chr17-9497639-G-T.
Other names: c.332+1G>T (NM_001080556.2).
Identifiers: ClinVar variation 1443577 (VCV001443577.8), dbSNP rs746987839, ClinGen allele CA8381909.